The following is an entry in ClinVar:

NM_006267.5(RANBP2):c.3518A>C (p.Glu1173Ala)

Gene: RANBP2 (RAN binding protein 2; plus strand). Cytogenetic location: 2q13.
Variant type: single nucleotide variant.
Coding change: c.3518A>C on transcript NM_006267.5 (MANE Select); coding-DNA position 3518, A replaced by C.
Protein change: p.Glu1173Ala; replaces glutamic acid 1173 with alanine.
Molecular consequence: missense variant.
Genome position (GRCh38, 1-based): chr2:108,764,057, A>C. VCF-style: chr2-108764057-A-C. GRCh37 (hg19) VCF-style: chr2-109380513-A-C.
Other names: c.3518A>C, p.Glu1173Ala (NM_001415871.1, NM_001415873.1); c.3515A>C, p.Glu1172Ala (NM_001415872.1); short protein forms E1172A, E1173A.
Identifiers: ClinVar variation 4072410 (VCV004072410.1).

ClinVar aggregate classification (germline): Uncertain significance (1 of 4 stars; one submission).

Conditions:
Susceptibility to HIV infection. Also called: HUMAN IMMUNODEFICIENCY VIRUS TYPE 1, RESISTANCE TO; Human immunodeficiency virus type 1, susceptibility to; HIV-1, SUSCEPTIBILITY TO. Identifiers: MedGen C1836230, MONDO:0004951, OMIM 609423.

Submission:

Centro de Genética y Biología Molecular, Universidad de San Martín de Porres
Classification: Uncertain significance for Susceptibility to HIV infection. Last evaluated: 2025-01-20. Review status: criteria provided, single submitter. Criteria: ACMG Guidelines, 2015. Collection method: research. Allele origin: germline. Affected: no. Observed: 1 heterozygote.
Comment: The NM_006267.5:c.3518A>C (p.Glu1173Ala) variant in the RANBP2 gene is a missense substitution that occurs within the Ran-binding domain 1 (RanBD1; residues 1171–1307), a functionally important and evolutionarily conserved region implicated in nucleocytoplasmic transport, supporting application of the PM1 criterion. The variant is absent from large population frequency databases such as gnomAD, 1000 Genomes, and ExAC, supporting application of the PM2 criterion. At present, no functional assays or familial segregation data have been reported for this variant. Based on the available evidence, this variant is classified as of Uncertain Significance (VUS) using the ACMG/AMP guidelines, supported by the criteria PM1 and PM2.